The following is an entry in ClinVar:

NM_003590.5(CUL3):c.501T>A (p.Asp167Glu)

Gene: CUL3 (cullin 3; minus strand). Cytogenetic location: 2q36.2.
Variant type: single nucleotide variant.
Coding change: c.501T>A on transcript NM_003590.5 (MANE Select); coding-DNA position 501, T replaced by A.
Protein change: p.Asp167Glu; replaces aspartic acid 167 with glutamic acid.
Molecular consequence: missense variant.
Genome position (GRCh38, 1-based): chr2:224,514,650, A>T on the plus strand (T>A on the coding strand, the complement: CUL3 is on the minus strand). VCF-style: chr2-224514650-A-T. GRCh37 (hg19) VCF-style: chr2-225379367-A-T.
Other names: c.303T>A, p.Asp101Glu (NM_001257197.2); c.519T>A, p.Asp173Glu (NM_001257198.2); short protein forms D167E, D101E, D173E.
Identifiers: ClinVar variation 4747299 (VCV004747299.1).

ClinVar aggregate classification (germline): Uncertain significance (1 of 4 stars; one submission).

Submission:

Labcorp Genetics (formerly Invitae), Labcorp
Classification: Uncertain significance. Last evaluated: 2025-08-13. Review status: criteria provided, single submitter. Criteria: Invitae Variant Classification Sherloc (09022015). Collection method: clinical testing. Allele origin: germline.
Comment: This sequence change replaces aspartic acid, which is acidic and polar, with glutamic acid, which is acidic and polar, at codon 167 of the CUL3 protein (p.Asp167Glu). This variant is not present in population databases (gnomAD no frequency). This variant has not been reported in the literature in individuals affected with CUL3-related conditions. Invitae Evidence Modeling of protein sequence and biophysical properties (such as structural, functional, and spatial information, amino acid conservation, physicochemical variation, residue mobility, and thermodynamic stability) indicates that this missense variant is not expected to disrupt CUL3 protein function with a negative predictive value of 95%. In summary, the available evidence is currently insufficient to determine the role of this variant in disease. Therefore, it has been classified as a Variant of Uncertain Significance.